The following is an entry in ClinVar:

ClinVar aggregate classification (germline): Uncertain significance (1 of 4 stars; one submission).

Conditions:
Severe combined immunodeficiency due to DNA-PKcs deficiency. Also called: IMMUNODEFICIENCY 26 WITH NEUROLOGIC ABNORMALITIES; Immunodeficiency 26 with or without neurologic abnormalities. Identifiers: Orphanet 317425, MedGen C4014833, MONDO:0014423, OMIM 615966.

Submission:

Labcorp Genetics (formerly Invitae), Labcorp
Classification: Uncertain significance for Severe combined immunodeficiency due to DNA-PKcs deficiency. Last evaluated: 2025-08-11. Review status: criteria provided, single submitter. Criteria: Invitae Variant Classification Sherloc (09022015). Collection method: clinical testing. Allele origin: germline.
Comment: This sequence change replaces glutamic acid, which is acidic and polar, with leucine, which is neutral and non-polar, at codon 3072 of the PRKDC protein (p.Glu3072Leu). Information on the frequency of this variant in the gnomAD database is not available, as this variant may be reported differently in the database. This variant has not been reported in the literature in individuals affected with PRKDC-related conditions. Experimental studies and prediction algorithms are not available or were not evaluated, and the functional significance of this variant is currently unknown. In summary, the available evidence is currently insufficient to determine the role of this variant in disease. Therefore, it has been classified as a Variant of Uncertain Significance.

NM_006904.7(PRKDC):c.9214_9215delinsTT (p.Glu3072Leu)

Gene: PRKDC (protein kinase, DNA-activated, catalytic subunit; minus strand). Cytogenetic location: 8q11.21.
Variant type: Indel.
Coding change: c.9214_9215delinsTT on transcript NM_006904.7 (MANE Select); coding-DNA positions 9214 to 9215, GA replaced by TT.
Protein change: p.Glu3072Leu; replaces glutamic acid 3072 with leucine.
Molecular consequence: missense variant.
Genome position (GRCh38, 1-based): chr8:47,820,840-47,820,841, TC replaced by AA on the plus strand (GA replaced by TT on the coding strand, the reverse complement: PRKDC is on the minus strand). VCF-style: chr8-47820840-TC-AA. GRCh37 (hg19) VCF-style: chr8-48733401-TC-AA.
Other names: c.9214_9215delinsTT, p.Glu3072Leu (NM_001081640.2); short protein forms E3072L.
Identifiers: ClinVar variation 4722978 (VCV004722978.1).